The following is an entry in ClinVar:

ClinVar aggregate classification (germline): Likely pathogenic (1 of 4 stars; one submission).

Conditions:
VPS13A-related neurodegenerative disease. Also called: LEVINE-CRITCHLEY SYNDROME; Choreoacanthocytosis; Chorea-acanthocytosis; ACANTHOCYTOSIS WITH NEUROLOGIC DISORDER; VPS13A Disease; Choreaacanthocytosis. Identifiers: Orphanet 2388, MedGen C0393576, MONDO:0008695, OMIM 200150.

Submission:

Natera, Inc.
Classification: Likely pathogenic for Choreaacanthocytosis. Last evaluated: 2024-09-08. Review status: criteria provided, single submitter. Criteria: Natera Variant Classification Schema (03/2026). Collection method: clinical testing. Allele origin: germline.
Comment: The c.6102_6105del variant in VPS13A is a frameshift variant predicted to shift the reading frame beginning at codon 2035 and leads to a stop codon 2 codons downstream. This variant is expected to result in nonsense mediated decay, truncation, or a dysfunctional protein product. This variant is rare in the general population with a frequency below the threshold expected for the associated phenotype(s). Given the available evidence, this variant is classified as Likely Pathogenic.

NM_033305.3(VPS13A):c.6102_6105del (p.Ile2035fs)

Gene: VPS13A (vacuolar protein sorting 13 homolog A; plus strand). Cytogenetic location: 9q21.2.
Variant type: Microsatellite.
Coding change: c.6102_6105del on transcript NM_033305.3 (MANE Select); coding-DNA positions 6102 to 6105, 4 bases deleted (CATT; older notation c.6102_6105delCATT).
Protein change: p.Ile2035fs; shifts the reading frame from isoleucine 2035.
Molecular consequence: frameshift variant.
Genome position (GRCh38, 1-based): chr9:77,337,261-77,337,264, CATT deleted; deleting any 4 consecutive bases within chr9:77,337,256-77,337,264 gives the same sequence; the c. name uses the placement nearest the transcript's 3' end. VCF-style (leftmost placement, unchanged base first): chr9-77337255-ATCAT-A. GRCh37 (hg19) VCF-style: chr9-79952171-ATCAT-A.
Other names: c.5985_5988del, p.Ile1996fs (NM_001018037.2); c.6102_6105del, p.Ile2035fs (NM_001018038.3, NM_015186.4); short protein forms I1996fs, I2035fs.
Identifiers: ClinVar variation 4816410 (VCV004816410.1).